The following is an entry in ClinVar:

NC_012920.1(MT-CYB):m.14768A>G

Gene: MT-CYB (mitochondrially encoded cytochrome b; plus strand).
Variant type: single nucleotide variant.
Genome position: chrM-14768-A-G.
Identifiers: ClinVar variation 693760 (VCV000693760.1), dbSNP rs1603224870, ClinGen allele CA913172034.
Genomic context (GRCh38, chrMT:14,768, plus strand): 5'-ATGAAAAACCATCGTTGTATTTCAACTACAAGAACACCAATGACCCCAATACGCAAAACT[A>G]ACCCCCTAATAAAATTAATTAACCACTCATTCATCGACCTCCCCACCCCATCCAACATCT-3'

ClinVar aggregate classification (germline): Uncertain significance (1 of 4 stars; one submission).

Conditions:
Leigh syndrome (NULS). Also called: Leigh's necrotizing encephalopathy; Leigh's disease; Leigh's syndrome; LEIGH SYNDROME, NUCLEAR; Leigh Syndrome (mtDNA deletion); Leigh Disease. Identifiers: Orphanet 506, MedGen C2931891, MONDO:0009723, OMIM 256000.

Submission:

Wong Mito Lab, Molecular and Human Genetics, Baylor College of Medicine
Classification: Uncertain significance for Leigh syndrome. Last evaluated: 2019-10-17. Review status: criteria provided, single submitter. Criteria: Modified ACMG Guidelines (Unpublished). Collection method: clinical testing. Allele origin: germline.
Comment: The NC_012920.1:m.14768A>G (YP_003024038.1:p.Asn8Asp) variant in MTCYB gene is interpretated to be a Uncertain Significance variant based on the modified ACMG guidelines (unpublished). This variant meets the following evidence codes: no criteria